The following is an entry in ClinVar:

NM_006302.3(MOGS):c.416A>T (p.Gln139Leu)

Gene: MOGS (mannosyl-oligosaccharide glucosidase; minus strand). Cytogenetic location: 2p13.1.
Variant type: single nucleotide variant.
Coding change: c.416A>T on transcript NM_006302.3 (MANE Select); coding-DNA position 416, A replaced by T.
Protein change: p.Gln139Leu; replaces glutamine 139 with leucine.
Molecular consequence: missense variant.
Genome position (GRCh38, 1-based): chr2:74,464,659, T>A on the plus strand (A>T on the coding strand, the complement: MOGS is on the minus strand). VCF-style: chr2-74464659-T-A. GRCh37 (hg19) VCF-style: chr2-74691786-T-A.
Other names: c.98A>T, p.Gln33Leu (NM_001146158.2); short protein forms Q139L, Q33L.
Identifiers: ClinVar variation 1008803 (VCV001008803.4), dbSNP rs766434425, ClinGen allele CA1725031.
Genomic context (GRCh38, chr2:74,464,659, plus strand): 5'-TGGCGCCCGAAGGAGAGGCCGTCGTGGAACTCCCAGCCATAGGGACCCACACCGTCCCCC[T>A]GCTCACACGTGTGCCTGAGCTTAGGAGTCCCCGGGGTGGTGCCCTGCTGCGCCCACATCA-3'
Protein context (NP_006293.2, residues 129-149): GTPKLRHTCE[Gln139Leu]GDGVGPYGWE

ClinVar aggregate classification (germline): Uncertain significance (1 of 4 stars; one submission).

Conditions:
MOGS-congenital disorder of glycosylation. Also called: CDG IIb; MOGS-CDG; CDG 2B; GLUCOSIDASE I DEFICIENCY. Identifiers: Orphanet 79330, MedGen C1853736, MONDO:0011629, OMIM 606056.

Allele frequency attached by ClinVar (database versions not stated): gnomAD exomes below 0.00001; ExAC 0.00001; gnomAD 0.00001.

Submission:

Labcorp Genetics (formerly Invitae), Labcorp
Classification: Uncertain significance for MOGS-congenital disorder of glycosylation. Last evaluated: 2022-05-16. Review status: criteria provided, single submitter. Criteria: Invitae Variant Classification Sherloc (09022015). Collection method: clinical testing. Allele origin: germline.
Comment: This sequence change replaces glutamine, which is neutral and polar, with leucine, which is neutral and non-polar, at codon 139 of the MOGS protein (p.Gln139Leu). This variant is present in population databases (rs766434425, gnomAD 0.0009%). This variant has not been reported in the literature in individuals affected with MOGS-related conditions. ClinVar contains an entry for this variant (Variation ID: 1008803). Algorithms developed to predict the effect of missense changes on protein structure and function are either unavailable or do not agree on the potential impact of this missense change (SIFT: "Deleterious"; PolyPhen-2: "Probably Damaging"; Align-GVGD: "Class C0"). In summary, the available evidence is currently insufficient to determine the role of this variant in disease. Therefore, it has been classified as a Variant of Uncertain Significance.